The following is an entry in ClinVar:

NM_002291.3(LAMB1):c.1897C>T (p.Arg633Ter)

Gene: LAMB1 (laminin subunit beta 1; minus strand). Cytogenetic location: 7q31.1.
Variant type: single nucleotide variant.
Coding change: c.1897C>T on transcript NM_002291.3 (MANE Select); coding-DNA position 1897, C replaced by T.
Protein change: p.Arg633Ter; replaces arginine 633 with a stop codon.
Molecular consequence: nonsense.
Genome position (GRCh38, 1-based): chr7:107,961,637, G>A on the plus strand (C>T on the coding strand, the complement: LAMB1 is on the minus strand). VCF-style: chr7-107961637-G-A. GRCh37 (hg19) VCF-style: chr7-107602082-G-A.
Other names: short protein forms R633*.
Identifiers: ClinVar variation 1912497 (VCV001912497.5), dbSNP rs1369428503, ClinGen allele CA368870001.
Genomic context (GRCh38, chr7:107,961,637, plus strand): 5'-GGTTGTCATCATCGGGGATGGTATTACCACATCGGCTGCTGGTTGGAATCCTTCCAGGTC[G>A]CTGCACTGTGATGACAGCTTTTTCCCAGTGGTCGGGTAGCTAGAATAAGAAACAAACAAT-3'

ClinVar aggregate classification (germline): Pathogenic (1 of 4 stars; one submission).

Allele frequency attached by ClinVar (database versions not stated): gnomAD exomes below 0.00001.

Submission:

Labcorp Genetics (formerly Invitae), Labcorp
Classification: Pathogenic. Last evaluated: 2024-10-26. Review status: criteria provided, single submitter. Criteria: Invitae Variant Classification Sherloc (09022015). Collection method: clinical testing. Allele origin: germline.
Comment: This sequence change creates a premature translational stop signal (p.Arg633*) in the LAMB1 gene. It is expected to result in an absent or disrupted protein product. Loss-of-function variants in LAMB1 are known to be pathogenic (PMID: 23472759, 25925986). This variant is present in population databases (no rsID available, gnomAD no frequency). This variant has not been reported in the literature in individuals affected with LAMB1-related conditions. ClinVar contains an entry for this variant (Variation ID: 1912497). For these reasons, this variant has been classified as Pathogenic.

Literature cited by the submitters: PubMed 23472759; PubMed 25925986.